The following is an entry in ClinVar:

NM_007325.5(GRIA3):c.1957G>A (p.Ala653Thr)

Gene: GRIA3 (glutamate ionotropic receptor AMPA type subunit 3; plus strand). Cytogenetic location: Xq25.
Variant type: single nucleotide variant.
Coding change: c.1957G>A on transcript NM_007325.5 (MANE Select); coding-DNA position 1957, G replaced by A.
Protein change: p.Ala653Thr; replaces alanine 653 with threonine.
Molecular consequence: missense variant.
Genome position (GRCh38, 1-based): chrX:123,428,020, G>A. VCF-style: chrX-123428020-G-A. GRCh37 (hg19) VCF-style: chrX-122561871-G-A.
Other names: c.1957G>A (NM_007325.4); c.1957G>A, p.Ala653Thr (NM_000828.5); short protein forms A653T.
Identifiers: ClinVar variation 383739 (VCV000383739.23), dbSNP rs1057521721, ClinGen allele CA16608259.

ClinVar aggregate classification (germline): Conflicting classifications of pathogenicity. Review status: criteria provided, conflicting classifications (1 of 4 stars). 9 submissions from 9 submitters: Pathogenic (3); Likely pathogenic (5); Uncertain significance (1). Last evaluated 2026-07-01.

Conditions:
Inborn genetic diseases. Identifiers: MedGen C0950123, MeSH D030342.
GRIA3-related disorder. Also called: GRIA3-related condition.
Disrupted sleep-wake cycle with developmental delay and learning difficulty.
Syndromic X-linked intellectual disability 94 (MRXSW). Also called: X-linked intellectual disability due to GRIA3 anomalies; MENTAL RETARDATION, X-LINKED, SYNDROMIC 29. Identifiers: Orphanet 364028, MedGen C2678051, MONDO:0010402, OMIM 300699.

Submissions (9):

CeGaT Center for Human Genetics Tuebingen
Classification: Likely pathogenic. Last evaluated: 2026-07-01. Review status: criteria provided, single submitter. Criteria: CeGaT Center For Human Genetics Tuebingen Variant Classification Criteria Version 2. Collection method: clinical testing. Allele origin: germline. Affected: yes. Observed: 1 variant allele.
Comment: GRIA3: PM2, PS2:Moderate, PS4:Moderate, PM5:Supporting, PP2, PS3:Supporting

Ambry Genetics
Classification: Pathogenic for Inborn genetic diseases. Last evaluated: 2024-10-03. Review status: criteria provided, single submitter. Criteria: Ambry Variant Classification Scheme 2023. Collection method: clinical testing. Allele origin: germline.
Comment: The p.A653T pathogenic mutation (also known as c.1957G>A), located in coding exon 12 of the GRIA3 gene, results from a G to A substitution at nucleotide position 1957. The alanine at codon 653 is replaced by threonine, an amino acid with similar properties. This amino acid position is highly conserved in available vertebrate species. In addition, this alteration is predicted to be deleterious by in silico analysis.This missense alteration is located in a region that has a low rate of benign missense variation (Lek M et al. Nature. 2016 Aug 18;536(7616):285-91; DECIPHER: Database of Chromosomal Imbalance and Phenotype in Humans using Ensembl Resources. Firth H.V. et al. 2009. Am.J.Hum.Genet. 84, 524-533 (DOI)). This variant has been determined to be the result of a de novo mutation or has been observed hemizygous in multiple individuals with features consistent with GRIA3-related neurodevelopmental disorder (Davies B et al. Hum Mol Genet, 2017 Oct;26:3869-388; external communication). In multiple assays testing GRIA3 function, this variant showed functionally abnormal results (Davies B et al. Hum Mol Genet, 2017 Oct;26:3869-3882; Rinaldi B et al. Brain, 2024 May;147:1837-1855). Based on the supporting evidence, this variant is interpreted as a disease-causing mutation.

Victorian Clinical Genetics Services, Murdoch Childrens Research Institute
Classification: Pathogenic for Syndromic X-linked intellectual disability 94. Last evaluated: 2024-09-23. Review status: criteria provided, single submitter. Criteria: ACMG Guidelines, 2015. Collection method: clinical testing. Allele origin: germline. Inheritance: X-linked recessive inheritance. Affected: yes.
Comment: Based on the classification scheme VCGS_Germline_v1.3.4, this variant is classified as Pathogenic. Following criteria are met: 0102 - Loss of function is a known mechanism of disease in this gene and is associated with Wu type X-linked syndromic intellectual developmental disorder (MIM#300699). (I) 0109 - This gene is associated with X-linked recessive disease. (I) 0115 - Variants in this gene are known to have variable expressivity (PMID: 32977175). (I) 0200 - Variant is predicted to result in a missense amino acid change from alanine to threonine. (I) 0253 - This variant is hemizygous. (I) 0301 - Variant is absent from gnomAD (both v2 and v3). (SP) 0502 - Missense variant with conflicting in silico predictions and uninformative conservation. (I) 0603 - Missense variant in a region that is highly intolerant to missense variation (high constraint region in DECIPHER). (SP) 0704 - Another missense variant comparable to the one identified in this case has limited previous evidence for pathogenicity. This alternative change (p.(Ala653Ser)) has been reported once as de novo in an individual with epilepsy and intellectual disability (PMID: 37921875). (SP) 0802 - This variant has moderate previous evidence of pathogenicity in unrelated individuals. This variant has been reported several times as likely pathogenic or pathogenic, and observed in two hemizygous brothers with features including global developmental delay and gross motor delay (PMID: 29016847, ClinVar). (SP) 1002 - This variant has moderate functional evidence supporting abnormal protein function. This variant has been shown to have significantly increased agonist potency but no current response (PMID: 37921875). (SP) 1203 - This variant has been shown to be de novo in the proband (parental status confirmed) (Broad Institute, RDNow project). (SP) Legend: (SP) - Supporting pathogenic, (I) - Information, (SB) - Supporting benign

Blueprint Genetics
Classification: Likely pathogenic for GRIA3-related disorders. Last evaluated: 2024-04-09. Review status: criteria provided, single submitter. Criteria: ACMG Guidelines, 2015. Collection method: clinical testing. Allele origin: germline. Affected: yes. Observed: 1 variant allele.

Labcorp Genetics (formerly Invitae), Labcorp
Classification: Likely pathogenic. Last evaluated: 2023-10-05. Review status: criteria provided, single submitter. Criteria: Invitae Variant Classification Sherloc (09022015). Collection method: clinical testing. Allele origin: germline.
Comment: This sequence change replaces alanine, which is neutral and non-polar, with threonine, which is neutral and polar, at codon 653 of the GRIA3 protein (p.Ala653Thr). This variant is not present in population databases (gnomAD no frequency). This missense change has been observed in individual(s) with clinical features of GRIA3-related conditions (PMID: 29016847; Invitae). It has also been observed to segregate with disease in related individuals. ClinVar contains an entry for this variant (Variation ID: 383739). Advanced modeling of protein sequence and biophysical properties (such as structural, functional, and spatial information, amino acid conservation, physicochemical variation, residue mobility, and thermodynamic stability) performed at Invitae indicates that this missense variant is not expected to disrupt GRIA3 protein function. Experimental studies have shown that this missense change affects GRIA3 function (PMID: 29016847). In summary, the currently available evidence indicates that the variant is pathogenic, but additional data are needed to prove that conclusively. Therefore, this variant has been classified as Likely Pathogenic.

GeneDx
Classification: Pathogenic. Last evaluated: 2022-04-14. Review status: criteria provided, single submitter. Criteria: GeneDx Variant Classification Process June 2021. Collection method: clinical testing. Allele origin: germline. Affected: yes.
Comment: Published functional studies demonstrate a damaging effect on channel function (Davies et al., 2017); Not observed in large population cohorts (gnomAD); In silico analysis supports that this missense variant has a deleterious effect on protein structure/function; This variant is associated with the following publications: (PMID: 29016847, 32977175)

Mendelics
Classification: Likely pathogenic for Syndromic X-linked intellectual disability 94. Last evaluated: 2019-05-28. Review status: criteria provided, single submitter. Criteria: Mendelics Assertion Criteria 2017. Collection method: clinical testing. Allele origin: unknown.

Barrett Group, Wellcome Trust Sanger Institute
Classification: Likely pathogenic for Disrupted sleep-wake cycle with developmental delay and learning difficulty. Last evaluated: 2017-05-25. Review status: criteria provided, single submitter. Criteria: Submitter's publication. Collection method: clinical testing, in vitro, in vivo. Allele origin: maternal, not applicable. Inheritance: X-linked inheritance. Affected: yes. Observed: 2 variant alleles, 2 hemizygotes. Clinical features observed: Sleep disturbance, Profound global developmental delay, Severe intellectual disability, Delayed gross motor development. Study: WGS500.
Comment: This was the most likely causal variant identified in this family quartet. GRIA3 encodes GluA3, a subunit of AMPA-type ionotropic glutamate receptors, and has been previously implicated in intellectual disability. The mutation (Ala653Thr) falls within the highly conserved transmembrane domain of the ion channel gate. In vitro, the GRIA3(A653T) mutation stabilizes the channel in the closed conformation. We introduced the orthologous mutation into a mouse strain with CRISPR and found that hemizygous mutants displayed significant differences in the structure of their activity and sleep compared to wild-type littermates. These mutant mice showed significantly fewer brief bouts of activity and sleep than the wild-types. Furthermore, they showed enhanced period lengthening under constant light compared to wild-type mice, suggesting an increased sensitivity to light. Our results suggest a role for GluA3 channel activity in regulation of sleep behavior in both mice and humans.

Juno Genomics, Hangzhou Juno Genomics, Inc
Classification: Uncertain significance for Syndromic X-linked intellectual disability 94. Review status: criteria provided, single submitter. Criteria: ACMG Guidelines, 2015. Collection method: clinical testing. Allele origin: germline. Affected: yes.
Comment: Absent from controls (or at extremely low frequency if recessive) in Genome Aggregation Database, Exome Sequencing Project, 1000 Genomes Project, or Exome Aggregation Consortium.;The prevalence of the variant in affected individuals is significantly increased compared to the prevalence in controls.

Literature cited by the submitters: PubMed 29016847 (cited by 4 submitters); PubMed 38038360 (cited by Ambry Genetics); PubMed 32977175 (cited by Victorian Clinical Genetics Services, Murdoch Childrens Research Institute); PubMed 37921875 (cited by Victorian Clinical Genetics Services, Murdoch Childrens Research Institute).